The following is an entry in ClinVar:

ClinVar aggregate classification (germline): Uncertain significance (1 of 4 stars; one submission).

Submission:

Women's Health and Genetics/Laboratory Corporation of America, LabCorp
Classification: Uncertain significance. Last evaluated: 2024-11-20. Review status: criteria provided, single submitter. Criteria: LabCorp Variant Classification Summary - May 2015. Collection method: clinical testing. Allele origin: germline.
Comment: Variant summary: ABCA4 c.959C>G (p.Ser320Cys) results in a non-conservative amino acid change in the encoded protein sequence. Five of five in-silico tools predict a damaging effect of the variant on protein function. The variant was absent in 251080 control chromosomes. The available data on variant occurrences in the general population are insufficient to allow any conclusion about variant significance. c.959C>G has been reported in the literature in at least one individual affected with cone rod dystrophy with two complex alleles, including a nonsense variant (p.W339X) in cis to the variant (e.g. Jiang_2016). This report does not provide unequivocal conclusions about association of the variant with Retinitis Pigmentosa. To our knowledge, no experimental evidence demonstrating an impact on protein function has been reported. The following publication has been ascertained in the context of this evaluation (PMID: 26780318). No submitters have cited clinical-significance assessments for this variant to ClinVar. Based on the evidence outlined above, the variant was classified as uncertain significance.

Literature cited by the submitters: PubMed 26780318.

NM_000350.3(ABCA4):c.959C>G (p.Ser320Cys)

Gene: ABCA4 (ATP binding cassette subfamily A member 4; minus strand). Cytogenetic location: 1p22.1.
Variant type: single nucleotide variant.
Coding change: c.959C>G on transcript NM_000350.3 (MANE Select); coding-DNA position 959, C replaced by G.
Protein change: p.Ser320Cys; replaces serine 320 with cysteine.
Molecular consequence: missense variant.
Genome position (GRCh38, 1-based): chr1:94,080,618, G>C on the plus strand (C>G on the coding strand, the complement: ABCA4 is on the minus strand). VCF-style: chr1-94080618-G-C. GRCh37 (hg19) VCF-style: chr1-94546174-G-C.
Other names: c.959C>G, p.Ser320Cys (NM_001425324.1); short protein forms S320C.
Identifiers: ClinVar variation 3629951 (VCV003629951.1).
Genomic context (GRCh38, chr1:94,080,618, plus strand): 5'-TACCAGTTGAAGGAGAGCACCCGAGAGCCACCTCCCTCGGGGTAGCCACACAGGAGGTCA[G>C]ACAGGATGCCCATCAGCTTTGTAAAGGTCTCTGGACCACCATTCTGCATGAGGGGCCTGG-3'
Protein context (NP_000341.2, residues 310-330): ETFTKLMGIL[Ser320Cys]DLLCGYPEGG